The following is an entry in ClinVar:

NM_001130144.3(LTBP3):c.3584C>T (p.Ser1195Phe)

Gene: LTBP3 (latent transforming growth factor beta binding protein 3; minus strand). Cytogenetic location: 11q13.1.
Variant type: single nucleotide variant.
Coding change: c.3584C>T on transcript NM_001130144.3 (MANE Select); coding-DNA position 3584, C replaced by T.
Protein change: p.Ser1195Phe; replaces serine 1195 with phenylalanine.
Molecular consequence: missense variant.
Genome position (GRCh38, 1-based): chr11:65,539,592, G>A on the plus strand (C>T on the coding strand, the complement: LTBP3 is on the minus strand). VCF-style: chr11-65539592-G-A. GRCh37 (hg19) VCF-style: chr11-65307063-G-A.
Other names: c.3092C>T, p.Ser1031Phe (NM_001164266.1); c.3443C>T, p.Ser1148Phe (NM_021070.4); short protein forms S1031F, S1148F, S1195F.
Identifiers: ClinVar variation 1348068 (VCV001348068.8), dbSNP rs751218306, ClinGen allele CA224008460.

ClinVar aggregate classification (germline): Uncertain significance. Review status: criteria provided, multiple submitters, no conflicts (2 of 4 stars). 2 submissions from 2 submitters: Uncertain significance (2). Last evaluated 2022-03-12.

Conditions:
Inborn genetic diseases. Identifiers: MedGen C0950123, MeSH D030342.
Brachyolmia-amelogenesis imperfecta syndrome. Also called: PLATYSPONDYLY WITH AMELOGENESIS IMPERFECTA; Tooth agenesis, selective, 6; Dental anomalies and short stature. Identifiers: Orphanet 2899, MedGen C1832594, MONDO:0011018, OMIM 601216. Disease mechanism: loss of function.

Allele frequency attached by ClinVar (database versions not stated): gnomAD exomes below 0.00001 and 0.00002; gnomAD 0.00002 and 0.00003; TOPMed 0.00003.
gnomAD v4.1: 37 of 1,612,772 alleles (0.0023%); highest among the groups gnomAD compares: Non-Finnish European, 0.0029%; no homozygotes.

Submissions (2):

Ambry Genetics
Classification: Uncertain significance for Inborn genetic diseases. Last evaluated: 2022-03-12. Review status: criteria provided, single submitter. Criteria: Ambry Variant Classification Scheme 2023. Collection method: clinical testing. Allele origin: germline.
Comment: The p.S1195F variant (also known as c.3584C>T), located in coding exon 26 of the LTBP3 gene, results from a C to T substitution at nucleotide position 3584. The serine at codon 1195 is replaced by phenylalanine, an amino acid with highly dissimilar properties. This amino acid position is conserved. In addition, the in silico prediction for this alteration is inconclusive. Since supporting evidence is limited at this time, the clinical significance of this alteration remains unclear.

Labcorp Genetics (formerly Invitae), Labcorp
Classification: Uncertain significance for Brachyolmia-amelogenesis imperfecta syndrome. Last evaluated: 2021-10-08. Review status: criteria provided, single submitter. Criteria: Invitae Variant Classification Sherloc (09022015). Collection method: clinical testing. Allele origin: germline.
Comment: This sequence change replaces serine with phenylalanine at codon 1195 of the LTBP3 protein (p.Ser1195Phe). The serine residue is highly conserved and there is a large physicochemical difference between serine and phenylalanine. This variant is not present in population databases (ExAC no frequency). In summary, the available evidence is currently insufficient to determine the role of this variant in disease. Therefore, it has been classified as a Variant of Uncertain Significance. Algorithms developed to predict the effect of missense changes on protein structure and function are either unavailable or do not agree on the potential impact of this missense change (SIFT: "Deleterious"; PolyPhen-2: "Possibly Damaging"; Align-GVGD: "Class C15"). This variant has not been reported in the literature in individuals affected with LTBP3-related conditions.